The following is an entry in ClinVar:

NM_003900.5(SQSTM1):c.392G>A (p.Cys131Tyr)

Gene: SQSTM1 (sequestosome 1; plus strand). Cytogenetic location: 5q35.3.
Variant type: single nucleotide variant.
Coding change: c.392G>A on transcript NM_003900.5 (MANE Select); coding-DNA position 392, G replaced by A.
Protein change: p.Cys131Tyr; replaces cysteine 131 with tyrosine.
Molecular consequence: missense variant.
Genome position (GRCh38, 1-based): chr5:179,823,948, G>A. VCF-style: chr5-179823948-G-A. GRCh37 (hg19) VCF-style: chr5-179250948-G-A.
Other names: c.140G>A, p.Cys47Tyr (NM_001142298.2, NM_001142299.2); short protein forms C131Y, C47Y.
Identifiers: ClinVar variation 2931936 (VCV002931936.3), dbSNP rs992982794, ClinGen allele CA362443656.
Genomic context (GRCh38, chr5:179,823,948, plus strand): 5'-CACCGTGTGCTCAGGAGGCGCCCCGCAACATGGTGCACCCCAATGTGATCTGCGATGGCT[G>A]CAATGGGCCTGTGGTAGGAACCCGCTACAAGTGCAGCGTCTGCCCAGACTACGACTTGTG-3'
Protein context (NP_003891.1, residues 121-141): MVHPNVICDG[Cys131Tyr]NGPVVGTRYK

ClinVar aggregate classification (germline): Uncertain significance (1 of 4 stars; one submission).

Conditions:
Paget disease of bone 2, early-onset (PDB2). Also called: Paget disease of bone 2. Identifiers: MedGen C4085251, MONDO:0011183, OMIM 602080.
Frontotemporal dementia and/or amyotrophic lateral sclerosis 1 (FTDALS1). Also called: C9orf72 Frontotemporal Dementia and/or Amyotrophic Lateral Sclerosis; Frontotemporal dementia with motor neuron disease 1. Identifiers: Orphanet 275872, MedGen C5779877, MONDO:0007105, OMIM 105550.

gnomAD v4.1: 1 of 1,614,024 alleles (0.000062%); highest among the groups gnomAD compares: Non-Finnish European, 0.000085%; no homozygotes.

Submission:

Labcorp Genetics (formerly Invitae), Labcorp
Classification: Uncertain significance for Paget disease of bone 2, early-onset; Frontotemporal dementia and/or amyotrophic lateral sclerosis 1. Last evaluated: 2025-04-03. Review status: criteria provided, single submitter. Criteria: Invitae Variant Classification Sherloc (09022015). Collection method: clinical testing. Allele origin: germline.
Comment: This sequence change replaces cysteine, which is neutral and slightly polar, with tyrosine, which is neutral and polar, at codon 131 of the SQSTM1 protein (p.Cys131Tyr). The frequency data for this variant in the population databases is considered unreliable, as metrics indicate poor data quality at this position in the gnomAD database. This variant has not been reported in the literature in individuals affected with SQSTM1-related conditions. ClinVar contains an entry for this variant (Variation ID: 2931936). Invitae Evidence Modeling of protein sequence and biophysical properties (such as structural, functional, and spatial information, amino acid conservation, physicochemical variation, residue mobility, and thermodynamic stability) indicates that this missense variant is expected to disrupt SQSTM1 protein function with a positive predictive value of 80%. In summary, the available evidence is currently insufficient to determine the role of this variant in disease. Therefore, it has been classified as a Variant of Uncertain Significance.